The following is an entry in ClinVar:

NM_000092.5(COL4A4):c.1209_1210delinsAAGAGACAG (p.Met403fs)

Gene: COL4A4 (collagen type IV alpha 4 chain; minus strand). Cytogenetic location: 2q36.3.
Variant type: Indel.
Coding change: c.1209_1210delinsAAGAGACAG on transcript NM_000092.5 (MANE Select); coding-DNA positions 1209 to 1210, GA replaced by AAGAGACAG.
Protein change: p.Met403fs; shifts the reading frame from methionine 403.
Molecular consequence: frameshift variant.
Genome position (GRCh38, 1-based): chr2:227,094,284-227,094,285, TC replaced by CTGTCTCTT on the plus strand (GA replaced by AAGAGACAG on the coding strand, the reverse complement: COL4A4 is on the minus strand). VCF-style: chr2-227094284-TC-CTGTCTCTT. GRCh37 (hg19) VCF-style: chr2-227959000-TC-CTGTCTCTT.
Other names: short protein forms M403fs.
Identifiers: ClinVar variation 5011617 (VCV005011617.1).

ClinVar aggregate classification (germline): Pathogenic (1 of 4 stars; one submission).

Conditions:
Alport syndrome. Also called: Hemorrhagic familial nephritis; Hemorrhagic hereditary nephritis; Congenital hereditary hematuria. Identifiers: Orphanet 63, MedGen C1567741, MONDO:0018965.

Submission:

Myriad Genetics, Inc.
Classification: Pathogenic for Alport syndrome. Last evaluated: 2023-09-09. Review status: criteria provided, single submitter. Criteria: Myriad Autosomal Dominant, Autosomal Recessive and X-Linked Classification Criteria (2023). Collection method: clinical testing. Allele origin: unknown.
Comment: NM_000092.4(COL4A4):c.1209_1210del2ins9(M403Ifs*29) is expected to be pathogenic in the context of Alport syndrome, COL4A4-related. This variant is predicted to lead to an abnormal or absent protein product due to the creation of a premature termination codon in COL4A4, a gene where loss-of-function variants are known to be pathogenic. Please note: this variant was assessed in the context of healthy population screening.